The following is an entry in ClinVar:

NM_000051.4(ATM):c.7259_7266del (p.Ala2420fs)

Genes: ATM (ATM serine/threonine kinase; plus strand), C11orf65 (chromosome 11 open reading frame 65; minus strand). Cytogenetic location: 11q22.3.
Variant type: Deletion.
Coding change: c.7259_7266del on transcript NM_000051.4 (MANE Select); coding-DNA positions 7259 to 7266, 8 bases deleted (CCAAAGAG; older notation c.7259_7266delCCAAAGAG).
Protein change: p.Ala2420fs; shifts the reading frame from alanine 2420.
Molecular consequence: frameshift variant. On other transcripts: intron variant (2).
Genome position (GRCh38, 1-based): chr11:108,329,190-108,329,197, CCAAAGAG deleted; deleting any 8 consecutive bases within chr11:108,329,184-108,329,197 gives the same sequence; the c. name uses the placement nearest the transcript's 3' end. VCF-style (leftmost placement, unchanged base first): chr11-108329183-AAAAGAGCC-A. GRCh37 (hg19) VCF-style: chr11-108199910-AAAAGAGCC-A.
Other names: c.7259_7266del, p.Ala2420fs (NM_001351834.2); c.641-20120_641-20113del (NM_001330368.2); c.*38+6029_*38+6036del (NM_001351110.2); short protein forms A2420fs.
Identifiers: ClinVar variation 4719634 (VCV004719634.1).

ClinVar aggregate classification (germline): Pathogenic (1 of 4 stars; one submission).

Conditions:
Ataxia-telangiectasia syndrome (AT). Also called: Ataxia-telangiectasia, complementation group D; AT, COMPLEMENTATION GROUP C; ATAXIA-TELANGIECTASIA, COMPLEMENTATION GROUP A; ATAXIA-TELANGIECTASIA, FRESNO VARIANT; Ataxia-telangiectasia; Ataxia-telangiectasia, complementation group E. Identifiers: Orphanet 100, MedGen C0004135, MONDO:0008840, OMIM 208900.

Submission:

Labcorp Genetics (formerly Invitae), Labcorp
Classification: Pathogenic for Ataxia-telangiectasia syndrome. Last evaluated: 2025-05-15. Review status: criteria provided, single submitter. Criteria: Invitae Variant Classification Sherloc (09022015). Collection method: clinical testing. Allele origin: germline.
Comment: This sequence change creates a premature translational stop signal (p.Ala2420Glyfs*6) in the ATM gene. It is expected to result in an absent or disrupted protein product. Loss-of-function variants in ATM are known to be pathogenic (PMID: 23807571, 25614872). This variant is not present in population databases (gnomAD no frequency). This variant has not been reported in the literature in individuals affected with ATM-related conditions. Algorithms developed to predict the effect of sequence changes on RNA splicing suggest that this variant may disrupt the consensus splice site. For these reasons, this variant has been classified as Pathogenic.

Literature cited by the submitters: PubMed 23807571; PubMed 25614872.